The following is an entry in ClinVar:

ClinVar aggregate classification (germline): Conflicting classifications of pathogenicity. Review status: criteria provided, conflicting classifications (1 of 4 stars). 2 submissions from 2 submitters: Uncertain significance (1); Likely benign (1). Last evaluated 2025-03-10.

Conditions:
Dyskeratosis congenita. Identifiers: Orphanet 1775, MedGen C0265965, MONDO:0015780.

Allele frequency attached by ClinVar (database versions not stated): gnomAD exomes below 0.00001 and 0.00003; ExAC 0.00002; ESP Exome Variant Server 0.00009; TOPMed 0.00009; gnomAD 0.00010 and 0.00011.
gnomAD v4.1: 16 of 1,207,562 alleles (0.0013%); highest among the groups gnomAD compares: African/African-American, 0.024%; no homozygotes.

Submissions (2):

Labcorp Genetics (formerly Invitae), Labcorp
Classification: Likely benign for Dyskeratosis congenita. Last evaluated: 2025-03-10. Review status: criteria provided, single submitter. Criteria: Invitae Variant Classification Sherloc (09022015). Collection method: clinical testing. Allele origin: germline.

Sema4
Classification: Uncertain significance for Dyskeratosis congenita. Last evaluated: 2021-12-05. Review status: criteria provided, single submitter. Criteria: Sema4 Curation Guidelines. Collection method: curation. Allele origin: germline.
Comment: The DKC1 c.41A>G (p.K14R) variant has not been reported in the literature to our knowledge. It was observed in 8/19148 chromosomes of the African/African American (AFR) subpopulation in the large and broad cohorts of the Genome Aggregation Database (PMID: 32461654). This variant has been reported in ClinVar (Variation ID 1014953). Functional studies have not been performed, and in silico predictions of the variant's effect on protein function are inconclusive. The evidence is insufficient to meet ACMG/AMP criteria for classifying the variant as benign or pathogenic. Thus, the clinical significance of this variant is currently uncertain.

NM_001363.5(DKC1):c.41A>G (p.Lys14Arg)

Gene: DKC1 (dyskerin pseudouridine synthase 1; plus strand). Cytogenetic location: Xq28.
Variant type: single nucleotide variant.
Coding change: c.41A>G on transcript NM_001363.5 (MANE Select); coding-DNA position 41, A replaced by G.
Protein change: p.Lys14Arg; replaces lysine 14 with arginine.
Molecular consequence: missense variant. On other transcripts: non-coding transcript variant (3).
Genome position (GRCh38, 1-based): chrX:154,764,923, A>G. VCF-style: chrX-154764923-A-G. GRCh37 (hg19) VCF-style: chrX-153993198-A-G.
Other names: c.41A>G, p.Lys14Arg (NM_001142463.3, NM_001288747.2); short protein forms K14R.
Identifiers: ClinVar variation 1014953 (VCV001014953.9), dbSNP rs376632263, ClinGen allele CA10566955.